The following is an entry in ClinVar:

ClinVar aggregate classification (germline): Uncertain significance. Review status: criteria provided, multiple submitters, no conflicts (2 of 4 stars). 2 submissions from 2 submitters: Uncertain significance (2). Last evaluated 2024-10-17.

Conditions:
Cardiovascular phenotype. Identifiers: MedGen CN230736.

Submissions (2):

GeneDx
Classification: Uncertain significance. Last evaluated: 2024-10-17. Review status: criteria provided, single submitter. Criteria: GeneDx Variant Classification Process June 2021. Collection method: clinical testing. Allele origin: germline. Affected: yes.
Comment: Not observed at significant frequency in large population cohorts (gnomAD); Missense variant in a gene in which most reported pathogenic variants are truncating/loss of function; Has not been previously published as pathogenic or benign to our knowledge

Ambry Genetics
Classification: Uncertain significance for Cardiovascular phenotype. Last evaluated: 2020-08-03. Review status: criteria provided, single submitter. Criteria: Ambry Variant Classification Scheme 2023. Collection method: clinical testing. Allele origin: germline.
Comment: The p.S14094I variant (also known as c.42281G>T), located in coding exon 152 of the TTN gene, results from a G to T substitution at nucleotide position 42281. The serine at codon 14094 is replaced by isoleucine, an amino acid with dissimilar properties. This amino acid position is not well conserved in available vertebrate species. In addition, this alteration is predicted to be tolerated by in silico analysis. Since supporting evidence is limited at this time, the clinical significance of this alteration remains unclear.

NM_001267550.2(TTN):c.69476G>T (p.Ser23159Ile)

Genes: TTN (titin; minus strand), TTN-AS1 (TTN antisense RNA 1; plus strand). Cytogenetic location: 2q31.2.
Variant type: single nucleotide variant.
Coding change: c.69476G>T on transcript NM_001267550.2 (MANE Select); coding-DNA position 69476, G replaced by T.
Protein change: p.Ser23159Ile; replaces serine 23159 with isoleucine.
Molecular consequence: missense variant.
Genome position (GRCh38, 1-based): chr2:178,576,768, C>A on the plus strand (G>T on the coding strand, the complement: TTN is on the minus strand). VCF-style: chr2-178576768-C-A. GRCh37 (hg19) VCF-style: chr2-179441495-C-A.
Other names: c.64553G>T, p.Ser21518Ile (NM_001256850.1); c.42281G>T, p.Ser14094Ile (NM_003319.4); c.61772G>T, p.Ser20591Ile (NM_133378.4); c.42656G>T, p.Ser14219Ile (NM_133432.3); c.42857G>T, p.Ser14286Ile (NM_133437.4); short protein forms S14094I, S23159I, S14219I, S20591I, S14286I, S21518I.
Identifiers: ClinVar variation 1738869 (VCV001738869.3), dbSNP rs2468747229, ClinGen allele CA349667968.